The following is an entry in ClinVar:

NM_001365536.1(SCN9A):c.626A>T (p.Asn209Ile)

Gene: SCN9A (sodium voltage-gated channel alpha subunit 9; minus strand). Cytogenetic location: 2q24.3.
Variant type: single nucleotide variant.
Coding change: c.626A>T on transcript NM_001365536.1 (MANE Select); coding-DNA position 626, A replaced by T.
Protein change: p.Asn209Ile; replaces asparagine 209 with isoleucine.
Molecular consequence: missense variant.
Genome position (GRCh38, 1-based): chr2:166,304,300, T>A on the plus strand (A>T on the coding strand, the complement: SCN9A is on the minus strand). VCF-style: chr2-166304300-T-A. GRCh37 (hg19) VCF-style: chr2-167160810-T-A.
Other names: c.626A>T, p.Asn209Ile (NM_002977.4); short protein forms N209I.
Identifiers: ClinVar variation 3758941 (VCV003758941.2).

ClinVar aggregate classification (germline): Uncertain significance (1 of 4 stars; one submission).

Conditions:
Neuropathy, hereditary sensory and autonomic, type 2A (HSAN2A). Also called: ACROOSTEOLYSIS, GIACCAI TYPE; ACROOSTEOLYSIS, NEUROGENIC; WNK1-Related HSAN2 (HSAN2A); MORVAN DISEASE; NEUROPATHY, CONGENITAL SENSORY; NEUROPATHY, HEREDITARY SENSORY RADICULAR, AUTOSOMAL RECESSIVE. Identifiers: Orphanet 970, MedGen C2752089, MONDO:0024309, OMIM 201300.
Generalized epilepsy with febrile seizures plus, type 7 (GEFSP7). Also called: GEFS+, TYPE 7. Identifiers: Orphanet 36387, MedGen C2751778, MONDO:0013470, OMIM 613863.

Submission:

Labcorp Genetics (formerly Invitae), Labcorp
Classification: Uncertain significance for Neuropathy, hereditary sensory and autonomic, type 2A; Generalized epilepsy with febrile seizures plus, type 7. Last evaluated: 2025-01-19. Review status: criteria provided, single submitter. Criteria: Invitae Variant Classification Sherloc (09022015). Collection method: clinical testing. Allele origin: germline.
Comment: This sequence change replaces asparagine, which is neutral and polar, with isoleucine, which is neutral and non-polar, at codon 209 of the SCN9A protein (p.Asn209Ile). This variant is not present in population databases (gnomAD no frequency). This variant has not been reported in the literature in individuals affected with SCN9A-related conditions. Invitae Evidence Modeling of protein sequence and biophysical properties (such as structural, functional, and spatial information, amino acid conservation, physicochemical variation, residue mobility, and thermodynamic stability) indicates that this missense variant is not expected to disrupt SCN9A protein function with a negative predictive value of 80%. In summary, the available evidence is currently insufficient to determine the role of this variant in disease. Therefore, it has been classified as a Variant of Uncertain Significance.